The following is an entry in ClinVar:

NM_000257.4(MYH7):c.1276G>A (p.Ala426Thr)

Gene: MYH7 (myosin heavy chain 7; minus strand). Cytogenetic location: 14q11.2.
Variant type: single nucleotide variant.
Coding change: c.1276G>A on transcript NM_000257.4 (MANE Select); coding-DNA position 1276, G replaced by A.
Protein change: p.Ala426Thr; replaces alanine 426 with threonine.
Molecular consequence: missense variant.
Genome position (GRCh38, 1-based): chr14:23,429,086, C>T on the plus strand (G>A on the coding strand, the complement: MYH7 is on the minus strand). VCF-style: chr14-23429086-C-T. GRCh37 (hg19) VCF-style: chr14-23898295-C-T.
Other names: c.1276G>A, p.Ala426Thr (NM_001407004.1); short protein forms A426T.
Identifiers: ClinVar variation 2773962 (VCV002773962.2), dbSNP rs2502302390, ClinGen allele CA389050966.
Genomic context (GRCh38, chr14:23,429,086, plus strand): 5'-TGGCATTGATGCGCGTCACCATCCAGTTGAACATCCTCTCATACACTGCCTTGGCCAGTG[C>T]CCCAGTGGCATATATCACCTGCAAGGTGGAGGAGAGACCCATATTGAGCAGGGTTGTTGG-3'
Protein context (NP_000248.2, residues 416-436): NVQQVIYATG[Ala426Thr]LAKAVYERMF

ClinVar aggregate classification (germline): Uncertain significance (1 of 4 stars; one submission).

Conditions:
Cardiomyopathy (CMYO). Also called: Cardiomyopathies. Identifiers: Orphanet 167848, MedGen C0878544, MONDO:0004994, HP:0001638. Inheritance: Various modes of inheritance.

Submission:

Color Diagnostics, LLC DBA Color Health
Classification: Uncertain significance for Cardiomyopathy. Last evaluated: 2022-03-08. Review status: criteria provided, single submitter. Criteria: ACMG Guidelines, 2015. Collection method: clinical testing. Allele origin: germline.
Comment: This missense variant replaces alanine with threonine at codon 426 of the MYH7 protein. This variant is found within a highly conserved region of the myosin head domain. Missense variants in this region have been shown to be significantly overrepresented in individuals with hypertrophic cardiomyopathy (PMID: 27532257). Computational prediction suggests that this variant may have deleterious impact on protein structure and function (internally defined REVEL score threshold >= 0.7, PMID: 27666373). To our knowledge, functional studies have not been reported for this variant. This variant has been reported in an individual affected with hypertrophic cardiomyopathy, who also carried a pathogenic variant in the TNNI3 gene (PMID: 25132132). This variant has not been identified in the general population by the Genome Aggregation Database (gnomAD). The available evidence is insufficient to determine the role of this variant in disease conclusively. Therefore, this variant is classified as a Variant of Uncertain Significance.

Literature cited by the submitters: PubMed 25132132; PubMed 27532257.